The following is an entry in ClinVar:

ClinVar aggregate classification (germline): Uncertain significance. Review status: criteria provided, multiple submitters, no conflicts (2 of 4 stars). 3 submissions from 3 submitters: Uncertain significance (3). Last evaluated 2026-06-10.

Conditions:
Inborn genetic diseases. Identifiers: MedGen C0950123, MeSH D030342.

gnomAD v4.1: 4 of 1,577,370 alleles (0.00025%); highest among the groups gnomAD compares: Admixed American, 0.0037%; no homozygotes.

Submissions (3):

Ambry Genetics
Classification: Uncertain significance for Inborn genetic diseases. Last evaluated: 2026-06-10. Review status: criteria provided, single submitter. Criteria: Ambry Variant Classification Scheme 2023. Collection method: clinical testing. Allele origin: germline.

Labcorp Genetics (formerly Invitae), Labcorp
Classification: Uncertain significance. Last evaluated: 2025-08-18. Review status: criteria provided, single submitter. Criteria: Invitae Variant Classification Sherloc (09022015). Collection method: clinical testing. Allele origin: germline.
Comment: This sequence change replaces aspartic acid, which is acidic and polar, with asparagine, which is neutral and polar, at codon 151 of the WFS1 protein (p.Asp151Asn). The frequency data for this variant in the population databases is considered unreliable, as metrics indicate poor data quality at this position in the gnomAD database. This variant has not been reported in the literature in individuals affected with WFS1-related conditions. ClinVar contains an entry for this variant (Variation ID: 3616848). Invitae Evidence Modeling of protein sequence and biophysical properties (such as structural, functional, and spatial information, amino acid conservation, physicochemical variation, residue mobility, and thermodynamic stability) indicates that this missense variant is not expected to disrupt WFS1 protein function with a negative predictive value of 95%. In summary, the available evidence is currently insufficient to determine the role of this variant in disease. Therefore, it has been classified as a Variant of Uncertain Significance.

GeneDx
Classification: Uncertain significance. Last evaluated: 2025-01-27. Review status: criteria provided, single submitter. Criteria: GeneDx Variant Classification Process June 2021. Collection method: clinical testing. Allele origin: germline. Affected: yes.
Comment: In silico analysis indicates that this missense variant does not alter protein structure/function; Has not been previously published as pathogenic or benign to our knowledge

NM_006005.3(WFS1):c.451G>A (p.Asp151Asn)

Gene: WFS1 (wolframin ER transmembrane glycoprotein; plus strand). Cytogenetic location: 4p16.1.
Variant type: single nucleotide variant.
Coding change: c.451G>A on transcript NM_006005.3 (MANE Select); coding-DNA position 451, G replaced by A.
Protein change: p.Asp151Asn; replaces aspartic acid 151 with asparagine.
Molecular consequence: missense variant.
Genome position (GRCh38, 1-based): chr4:6,289,122, G>A. VCF-style: chr4-6289122-G-A. GRCh37 (hg19) VCF-style: chr4-6290849-G-A.
Other names: c.451G>A, p.Asp151Asn (NM_001145853.1); short protein forms D151N.
Identifiers: ClinVar variation 3616848 (VCV003616848.4).